The following is an entry in ClinVar:

NM_003835.4(RGS9):c.1499G>A (p.Cys500Tyr)

Gene: RGS9 (regulator of G protein signaling 9; plus strand). Cytogenetic location: 17q24.1.
Variant type: single nucleotide variant.
Coding change: c.1499G>A on transcript NM_003835.4 (MANE Select); coding-DNA position 1499, G replaced by A.
Protein change: p.Cys500Tyr; replaces cysteine 500 with tyrosine.
Molecular consequence: missense variant.
Genome position (GRCh38, 1-based): chr17:65,225,093, G>A. VCF-style: chr17-65225093-G-A. GRCh37 (hg19) VCF-style: chr17-63221211-G-A.
Other names: c.1490G>A, p.Cys497Tyr (NM_001081955.3); short protein forms C500Y, C497Y.
Identifiers: ClinVar variation 2096420 (VCV002096420.4), dbSNP rs2509452105, ClinGen allele CA400673401.

ClinVar aggregate classification (germline): Uncertain significance (1 of 4 stars; one submission).

Allele frequency attached by ClinVar (database versions not stated): gnomAD exomes below 0.00001.
gnomAD v4.1: 1 of 1,613,752 alleles (0.000062%); highest among the groups gnomAD compares: Admixed American, 0.0017%; no homozygotes.

Submission:

Labcorp Genetics (formerly Invitae), Labcorp
Classification: Uncertain significance. Last evaluated: 2022-02-11. Review status: criteria provided, single submitter. Criteria: Invitae Variant Classification Sherloc (09022015). Collection method: clinical testing. Allele origin: germline.
Comment: In summary, the available evidence is currently insufficient to determine the role of this variant in disease. Therefore, it has been classified as a Variant of Uncertain Significance. Algorithms developed to predict the effect of missense changes on protein structure and function output the following: SIFT: "Deleterious"; PolyPhen-2: "Benign"; Align-GVGD: "Class C0". The tyrosine amino acid residue is found in multiple mammalian species, which suggests that this missense change does not adversely affect protein function. This variant has not been reported in the literature in individuals affected with RGS9-related conditions. This variant is not present in population databases (gnomAD no frequency). This sequence change replaces cysteine, which is neutral and slightly polar, with tyrosine, which is neutral and polar, at codon 500 of the RGS9 protein (p.Cys500Tyr).